The following is an entry in ClinVar:

NM_001330360.2(POLA1):c.389A>G (p.Lys130Arg)

Gene: POLA1 (DNA polymerase alpha 1, catalytic subunit; plus strand). Cytogenetic location: Xp22.11.
Variant type: single nucleotide variant.
Coding change: c.389A>G on transcript NM_001330360.2 (MANE Select); coding-DNA position 389, A replaced by G.
Protein change: p.Lys130Arg; replaces lysine 130 with arginine.
Molecular consequence: missense variant. On other transcripts: non-coding transcript variant (2).
Genome position (GRCh38, 1-based): chrX:24,714,596, A>G. VCF-style: chrX-24714596-A-G. GRCh37 (hg19) VCF-style: chrX-24732713-A-G.
Other names: c.389A>G, p.Lys130Arg (NM_001378303.1); c.371A>G, p.Lys124Arg (NM_016937.4); short protein forms K124R, K130R.
Identifiers: ClinVar variation 3600935 (VCV003600935.2).

ClinVar aggregate classification (germline): Uncertain significance. Review status: criteria provided, multiple submitters, no conflicts (2 of 4 stars). 2 submissions from 2 submitters: Uncertain significance (2). Last evaluated 2025-10-18.

Conditions:
Inborn genetic diseases. Identifiers: MedGen C0950123, MeSH D030342.

Submissions (2):

Ambry Genetics
Classification: Uncertain significance for Inborn genetic diseases. Last evaluated: 2025-10-18. Review status: criteria provided, single submitter. Criteria: Ambry Variant Classification Scheme 2023. Collection method: clinical testing. Allele origin: germline.

GeneDx
Classification: Uncertain significance. Last evaluated: 2024-07-26. Review status: criteria provided, single submitter. Criteria: GeneDx Variant Classification Process June 2021. Collection method: clinical testing. Allele origin: germline. Affected: yes.
Comment: Not observed at significant frequency in large population cohorts (gnomAD); In silico analysis indicates that this missense variant does not alter protein structure/function; Has not been previously published as pathogenic or benign to our knowledge